The following is an entry in ClinVar:

ClinVar aggregate classification (germline): Likely benign. Review status: criteria provided, multiple submitters, no conflicts (2 of 4 stars). 2 submissions from 2 submitters: Likely benign (2). Last evaluated 2026-09-01.

Conditions:
Tay-Sachs disease (TSD). Also called: HEXA Disorders; HEXA DEFICIENCY; Hexosaminidase A Deficiency; GM2 gangliosidosis, type 1; Hexosaminidase alpha-subunit deficiency (variant B); Sphingolipidosis, Tay-Sachs. Identifiers: Orphanet 845, MedGen C0039373, MONDO:0010100, OMIM 272800.

Allele frequency attached by ClinVar (database versions not stated): gnomAD exomes 0.00005 and 0.00002; gnomAD 0.00001; ExAC 0.00003; TOPMed 0.00004.
gnomAD v4.1: 32 of 1,613,364 alleles (0.002%); highest among the groups gnomAD compares: Admixed American, 0.028%; no homozygotes.

Submissions (2):

CeGaT Center for Human Genetics Tuebingen
Classification: Likely benign. Last evaluated: 2026-09-01. Review status: criteria provided, single submitter. Criteria: CeGaT Center For Human Genetics Tuebingen Variant Classification Criteria Version 2. Collection method: clinical testing. Allele origin: germline. Affected: yes. Observed: 1 variant allele.
Comment: HEXA: BP4, BP7

Labcorp Genetics (formerly Invitae), Labcorp
Classification: Likely benign for Tay-Sachs disease. Last evaluated: 2026-01-19. Review status: criteria provided, single submitter. Criteria: Invitae Variant Classification Sherloc (09022015). Collection method: clinical testing. Allele origin: germline.

NM_000520.6(HEXA):c.1032C>T (p.Phe344=)

Gene: HEXA (hexosaminidase subunit alpha; minus strand). Cytogenetic location: 15q23.
Variant type: single nucleotide variant.
Coding change: c.1032C>T on transcript NM_000520.6 (MANE Select); coding-DNA position 1032, C replaced by T.
Protein change: p.Phe344=; no amino-acid change (phenylalanine 344 retained).
Molecular consequence: synonymous variant. On other transcripts: non-coding transcript variant (1).
Genome position (GRCh38, 1-based): chr15:72,348,089, G>A on the plus strand (C>T on the coding strand, the complement: HEXA is on the minus strand). VCF-style: chr15-72348089-G-A. GRCh37 (hg19) VCF-style: chr15-72640430-G-A.
Other names: c.1065C>T, p.Phe355= (NM_001318825.2).
Identifiers: ClinVar variation 1103301 (VCV001103301.10), dbSNP rs762704131, ClinGen allele CA7644837.